The following is an entry in ClinVar:

NM_001793.6(CDH3):c.390+4C>T

Gene: CDH3 (cadherin 3; plus strand). Cytogenetic location: 16q22.1.
Variant type: single nucleotide variant.
Coding change: c.390+4C>T on transcript NM_001793.6 (MANE Select); 4 bases into the intron after coding-DNA position 390, C replaced by T.
Molecular consequence: intron variant.
Genome position (GRCh38, 1-based): chr16:68,678,281, C>T. VCF-style: chr16-68678281-C-T. GRCh37 (hg19) VCF-style: chr16-68712184-C-T.
Other names: c.225+4C>T (NM_001317196.2); c.390+4C>T (NM_001317195.3).
Identifiers: ClinVar variation 1523538 (VCV001523538.3), dbSNP rs764761761, ClinGen allele CA8129002.

ClinVar aggregate classification (germline): Uncertain significance (1 of 4 stars; one submission).

Allele frequency attached by ClinVar (database versions not stated): gnomAD exomes 0.00003 and 0.00006; ExAC 0.00007.
gnomAD v4.1: 49 of 1,613,990 alleles (0.003%); highest among the groups gnomAD compares: Admixed American, 0.023%; 1 homozygote.

Submission:

Labcorp Genetics (formerly Invitae), Labcorp
Classification: Uncertain significance. Last evaluated: 2022-04-29. Review status: criteria provided, single submitter. Criteria: Invitae Variant Classification Sherloc (09022015). Collection method: clinical testing. Allele origin: germline.
Comment: This sequence change falls in intron 4 of the CDH3 gene. It does not directly change the encoded amino acid sequence of the CDH3 protein. It affects a nucleotide within the consensus splice site. This variant is present in population databases (rs764761761, gnomAD 0.03%), including at least one homozygous and/or hemizygous individual. This variant has not been reported in the literature in individuals affected with CDH3-related conditions. Variants that disrupt the consensus splice site are a relatively common cause of aberrant splicing (PMID: 17576681, 9536098). Algorithms developed to predict the effect of sequence changes on RNA splicing suggest that this variant is not likely to affect RNA splicing. In summary, the available evidence is currently insufficient to determine the role of this variant in disease. Therefore, it has been classified as a Variant of Uncertain Significance.

Literature cited by the submitters: PubMed 17576681; PubMed 9536098.